The following is an entry in ClinVar:

ClinVar aggregate classification (germline): Uncertain significance (1 of 4 stars; one submission).

Allele frequency attached by ClinVar (database versions not stated): TOPMed below 0.00001; ExAC 0.00001.
gnomAD v4.1: 12 of 1,582,114 alleles (0.00076%); highest among the groups gnomAD compares: Non-Finnish European, 0.001%; no homozygotes.

Submission:

Mayo Clinic Laboratories, Mayo Clinic
Classification: Uncertain significance. Last evaluated: 2022-11-22. Review status: criteria provided, single submitter. Criteria: ACMG Guidelines, 2015. Collection method: clinical testing. Allele origin: germline. Observed: 1 variant allele.
Comment: PM2

NM_000293.3(PHKB):c.496G>A (p.Glu166Lys)

Gene: PHKB (phosphorylase kinase regulatory subunit beta; plus strand). Cytogenetic location: 16q12.1.
Variant type: single nucleotide variant.
Coding change: c.496G>A on transcript NM_000293.3 (MANE Select); coding-DNA position 496, G replaced by A.
Protein change: p.Glu166Lys; replaces glutamic acid 166 with lysine.
Molecular consequence: missense variant.
Genome position (GRCh38, 1-based): chr16:47,511,755, G>A. VCF-style: chr16-47511755-G-A. GRCh37 (hg19) VCF-style: chr16-47545666-G-A.
Other names: p.Glu166Lys; c.475G>A, p.Glu159Lys (NM_001031835.3); c.496G>A, p.Glu166Lys (NM_001363837.1); short protein forms E159K, E166K.
Identifiers: ClinVar variation 2683363 (VCV002683363.1), dbSNP rs774068671, ClinGen allele CA8040502.